The following is an entry in ClinVar:

ClinVar aggregate classification (germline): Uncertain significance (1 of 4 stars; one submission).

gnomAD v4.1: 2 of 1,211,010 alleles (0.00017%); highest among the groups gnomAD compares: East Asian, 0.0059%; no homozygotes.

Submission:

Labcorp Genetics (formerly Invitae), Labcorp
Classification: Uncertain significance. Last evaluated: 2022-10-07. Review status: criteria provided, single submitter. Criteria: Invitae Variant Classification Sherloc (09022015). Collection method: clinical testing. Allele origin: germline.
Comment: In summary, the available evidence is currently insufficient to determine the role of this variant in disease. Therefore, it has been classified as a Variant of Uncertain Significance. Algorithms developed to predict the effect of missense changes on protein structure and function (SIFT, PolyPhen-2, Align-GVGD) all suggest that this variant is likely to be tolerated. This variant has not been reported in the literature in individuals affected with NDP-related conditions. This variant is present in population databases (no rsID available, gnomAD 0.02%). This sequence change replaces alanine, which is neutral and non-polar, with serine, which is neutral and polar, at codon 7 of the NDP protein (p.Ala7Ser).

NM_000266.4(NDP):c.19G>T (p.Ala7Ser)

Genes: NDP (norrin cystine knot growth factor NDP; minus strand), NDP-AS1 (NDP antisense RNA 1; plus strand). Cytogenetic location: Xp11.3.
Variant type: single nucleotide variant.
Coding change: c.19G>T on transcript NM_000266.4 (MANE Select); coding-DNA position 19, G replaced by T.
Protein change: p.Ala7Ser; replaces alanine 7 with serine.
Molecular consequence: missense variant.
Genome position (GRCh38, 1-based): chrX:43,958,627, C>A on the plus strand (G>T on the coding strand, the complement: NDP is on the minus strand). VCF-style: chrX-43958627-C-A. GRCh37 (hg19) VCF-style: chrX-43817873-C-A.
Other names: short protein forms A7S.
Identifiers: ClinVar variation 1946374 (VCV001946374.5), dbSNP rs1441547787, ClinGen allele CA413009309.
Genomic context (GRCh38, chrX:43,958,627, plus strand): 5'-CCGTTTTACTGTCTGTATCTCCCATTATCACCAGCAGGGAGAGCATAGAAAAGGATGCAG[C>A]TAGTACATGTTTTCTCATTGTTGTAAGGAAAAACTTCTCTAGAAGAACAGCAGAGGGAGG-3'
Protein context (NP_000257.1, residues 1-17): MRKHVL[Ala7Ser]ASFSMLSLLV